The following is an entry in ClinVar:

ClinVar aggregate classification (germline): Likely pathogenic (1 of 4 stars; one submission).

Conditions:
Epilepsy. Also called: Seizure disorder. Identifiers: MedGen C0014544, MeSH D004827, MONDO:0005027.

Submission:

Labcorp Genetics (formerly Invitae), Labcorp
Classification: Likely pathogenic for Epilepsy. Last evaluated: 2025-04-14. Review status: criteria provided, single submitter. Criteria: Invitae Variant Classification Sherloc (09022015). Collection method: clinical testing. Allele origin: germline.
Comment: This sequence change affects a donor splice site in intron 5 of the PIGQ gene. It is expected to disrupt RNA splicing. Variants that disrupt the donor or acceptor splice site typically lead to a loss of protein function (PMID: 16199547), and loss-of-function variants in PIGQ are known to be pathogenic (PMID: 24463883, 25558065). The frequency data for this variant in the population databases is considered unreliable, as metrics indicate poor data quality at this position in the gnomAD database. This variant has not been reported in the literature in individuals affected with PIGQ-related conditions. Algorithms developed to predict the effect of sequence changes on RNA splicing suggest that this variant may disrupt the consensus splice site. In summary, the currently available evidence indicates that the variant is pathogenic, but additional data are needed to prove that conclusively. Therefore, this variant has been classified as Likely Pathogenic.

Literature cited by the submitters: PubMed 16199547; PubMed 24463883; PubMed 25558065.

NM_004204.5(PIGQ):c.1069+2T>A

Gene: PIGQ (phosphatidylinositol glycan anchor biosynthesis class Q; plus strand). Cytogenetic location: 16p13.3.
Variant type: single nucleotide variant.
Coding change: c.1069+2T>A on transcript NM_004204.5 (MANE Select); the canonical splice donor site of the intron after coding-DNA position 1069, T replaced by A.
Molecular consequence: splice donor variant.
Genome position (GRCh38, 1-based): chr16:578,507, T>A. VCF-style: chr16-578507-T-A. GRCh37 (hg19) VCF-style: chr16-628507-T-A.
Other names: c.1069+2T>A (NM_148920.4).
Identifiers: ClinVar variation 4717501 (VCV004717501.1).
Genomic context (GRCh38, chr16:578,507, plus strand): 5'-CCGTGCACTGGACCAGGTGCTGGGCCGCTTCTTCCTCTACCACATCCACCTGTGGATCAG[T>A]GAGTGCAGGGCAGGCGGGGGCCCCAGGGACCCCAGAGCTTGCTGAAGAGGGTAGGGACCC-3'